The following is an entry in ClinVar:

NM_001365276.2(TNXB):c.7354C>T (p.Pro2452Ser)

Gene: TNXB (tenascin XB; minus strand). Cytogenetic location: 6p21.33.
Variant type: single nucleotide variant.
Coding change: c.7354C>T on transcript NM_001365276.2 (MANE Select); coding-DNA position 7354, C replaced by T.
Protein change: p.Pro2452Ser; replaces proline 2452 with serine.
Molecular consequence: missense variant.
Genome position (GRCh38, 1-based): chr6:32,061,535, G>A on the plus strand (C>T on the coding strand, the complement: TNXB is on the minus strand). VCF-style: chr6-32061535-G-A. GRCh37 (hg19) VCF-style: chr6-32029312-G-A.
Other names: c.7354C>T, p.Pro2452Ser (NM_019105.8); short protein forms P2452S.
Identifiers: ClinVar variation 1758465 (VCV001758465.2), dbSNP rs1356822752, ClinGen allele CA363552676.

ClinVar aggregate classification (germline): Uncertain significance (1 of 4 stars; one submission).

Conditions:
Cardiovascular phenotype. Identifiers: MedGen CN230736.

Allele frequency attached by ClinVar (database versions not stated): gnomAD exomes below 0.00001; TOPMed 0.00001; gnomAD 0.00003.
gnomAD v4.1: 8 of 1,613,496 alleles (0.0005%); highest among the groups gnomAD compares: African/African-American, 0.011%; no homozygotes.

Submission:

Ambry Genetics
Classification: Uncertain significance for Cardiovascular phenotype. Last evaluated: 2021-09-26. Review status: criteria provided, single submitter. Criteria: Ambry Variant Classification Scheme 2023. Collection method: clinical testing. Allele origin: germline.
Comment: The p.P2452S variant (also known as c.7354C>T), located in coding exon 20 of the TNXB gene, results from a C to T substitution at nucleotide position 7354. The proline at codon 2452 is replaced by serine, an amino acid with similar properties. This amino acid position is conserved. In addition, this alteration is predicted to be tolerated by in silico analysis. Since supporting evidence is limited at this time, the clinical significance of this alteration remains unclear.